The following is an entry in ClinVar:

ClinVar aggregate classification (germline): Uncertain significance (1 of 4 stars; one submission).

Conditions:
Facioscapulohumeral muscular dystrophy 2 (FSHD2). Also called: FACIOSCAPULOHUMERAL MUSCULAR DYSTROPHY 2, DIGENIC; FSHD2, DIGENIC; MUSCULAR DYSTROPHY, FACIOSCAPULOHUMERAL, TYPE 1B. Identifiers: Orphanet 269, MedGen C1834671, MONDO:0008031, OMIM 158901.

Allele frequency attached by ClinVar (database versions not stated): gnomAD exomes below 0.00001.
gnomAD v4.1: 1 of 1,597,872 alleles (0.000063%); highest among the groups gnomAD compares: East Asian, 0.0022%; no homozygotes.

Submission:

Labcorp Genetics (formerly Invitae), Labcorp
Classification: Uncertain significance for Facioscapulohumeral muscular dystrophy 2. Last evaluated: 2021-06-15. Review status: criteria provided, single submitter. Criteria: Invitae Variant Classification Sherloc (09022015). Collection method: clinical testing. Allele origin: germline.
Comment: In summary, the available evidence is currently insufficient to determine the role of this variant in disease. Therefore, it has been classified as a Variant of Uncertain Significance. Algorithms developed to predict the effect of missense changes on protein structure and function are either unavailable or do not agree on the potential impact of this missense change (SIFT: "Deleterious"; PolyPhen-2: "Probably Damaging"; Align-GVGD: "Class C15"). This sequence change replaces leucine with phenylalanine at codon 202 of the SMCHD1 protein (p.Leu202Phe). The leucine residue is highly conserved and there is a small physicochemical difference between leucine and phenylalanine. This variant has not been reported in the literature in individuals with SMCHD1-related conditions. This variant is not present in population databases (ExAC no frequency).

NM_015295.3(SMCHD1):c.606G>T (p.Leu202Phe)

Gene: SMCHD1 (structural maintenance of chromosomes flexible hinge domain containing 1; plus strand). Cytogenetic location: 18p11.32.
Variant type: single nucleotide variant.
Coding change: c.606G>T on transcript NM_015295.3 (MANE Select); coding-DNA position 606, G replaced by T.
Protein change: p.Leu202Phe; replaces leucine 202 with phenylalanine.
Molecular consequence: missense variant.
Genome position (GRCh38, 1-based): chr18:2,674,113, G>T. VCF-style: chr18-2674113-G-T. GRCh37 (hg19) VCF-style: chr18-2674112-G-T.
Other names: short protein forms L202F.
Identifiers: ClinVar variation 1468402 (VCV001468402.8), dbSNP rs2143845898, ClinGen allele CA401690254.
Genomic context (GRCh38, chr18:2,674,113, plus strand): 5'-GATAGATAATGGAAGAGGAATGACCTCTAAACAGCTTAACAACTGGGCCGTGTATAGGTT[G>T]TCAAAATTCACAAGGCAAGGTGACTTTGAAAGGTTAGAAAACCTTACTTTTTTTTTTTTG-3'
Protein context (NP_056110.2, residues 192-212): KQLNNWAVYR[Leu202Phe]SKFTRQGDFE